The following is an entry in ClinVar:

NM_001367624.2(ZNF469):c.3076C>T (p.Arg1026Trp)

Gene: ZNF469 (zinc finger protein 469; plus strand). Cytogenetic location: 16q24.2.
Variant type: single nucleotide variant.
Coding change: c.3076C>T on transcript NM_001367624.2 (MANE Select); coding-DNA position 3076, C replaced by T.
Protein change: p.Arg1026Trp; replaces arginine 1026 with tryptophan.
Molecular consequence: missense variant.
Genome position (GRCh38, 1-based): chr16:88,430,546, C>T. VCF-style: chr16-88430546-C-T. GRCh37 (hg19) VCF-style: chr16-88496954-C-T.
Other names: short protein forms R1026W.
Identifiers: ClinVar variation 2012523 (VCV002012523.1), dbSNP rs2507581652, ClinGen allele CA397077285.
Genomic context (GRCh38, chr16:88,430,546, plus strand): 5'-GCAGACCCCGCGCCCCGGGTCCCGAGAGCCGCCGCCCTCCCCGAGGAGACCCGCAGCTCC[C>T]GGCGCCGCCGGCTGCCCCCCAGGAAGGACCCCAGGAAGAGGAAGGCTCGGGGCGGCGCCT-3'
Protein context (NP_001354553.1, residues 1016-1036): AALPEETRSS[Arg1026Trp]RRRLPPRKDP

ClinVar aggregate classification (germline): Uncertain significance (1 of 4 stars; one submission).

gnomAD v4.1: 5 of 1,469,750 alleles (0.00034%); highest among the groups gnomAD compares: Non-Finnish European, 0.00045%; no homozygotes.

Submission:

Labcorp Genetics (formerly Invitae), Labcorp
Classification: Uncertain significance. Last evaluated: 2022-07-01. Review status: criteria provided, single submitter. Criteria: Invitae Variant Classification Sherloc (09022015). Collection method: clinical testing. Allele origin: germline.
Comment: This sequence change replaces arginine, which is basic and polar, with tryptophan, which is neutral and slightly polar, at codon 1026 of the ZNF469 protein (p.Arg1026Trp). This variant is not present in population databases (gnomAD no frequency). This variant has not been reported in the literature in individuals affected with ZNF469-related conditions. Algorithms developed to predict the effect of missense changes on protein structure and function are either unavailable or do not agree on the potential impact of this missense change (SIFT: "Deleterious"; PolyPhen-2: "Benign"; Align-GVGD: "Class C0"). In summary, the available evidence is currently insufficient to determine the role of this variant in disease. Therefore, it has been classified as a Variant of Uncertain Significance.